The following is an entry in ClinVar:

ClinVar aggregate classification (germline): Conflicting classifications of pathogenicity. Review status: criteria provided, conflicting classifications (1 of 4 stars). 5 submissions from 5 submitters: Pathogenic (1); Likely pathogenic (3); Uncertain significance (1). Last evaluated 2023-01-24.

Conditions:
PLA2G6-associated neurodegeneration (PLAN). Also called: phospholipase A2-associated neurodegeneration. Identifiers: Orphanet 329303, MedGen CN204472, MONDO:0017998.
Infantile neuroaxonal dystrophy (NBIA2A). Also called: SEITELBERGER DISEASE; NEURODEGENERATION WITH BRAIN IRON ACCUMULATION 2A; Infantile neuroaxonal dystrophy 1. Identifiers: Orphanet 35069, MedGen C0270724, MONDO:0024457, OMIM 256600.
Iron accumulation in brain. Identifiers: MedGen C4021076, HP:0012675.

Allele frequency attached by ClinVar (database versions not stated): gnomAD 0.00001; gnomAD exomes 0.00002; TOPMed 0.00003.
gnomAD v4.1: 18 of 1,558,120 alleles (0.0012%); highest among the groups gnomAD compares: South Asian, 0.0024%; no homozygotes.

Submissions (5):

Broad Center for Mendelian Genomics, Broad Institute of MIT and Harvard
Classification: Uncertain significance for PLA2G6-associated neurodegeneration. Last evaluated: 2023-01-24. Review status: criteria provided, single submitter. Criteria: ACMG Guidelines, 2015. Collection method: curation. Allele origin: germline. Inheritance: Autosomal recessive inheritance.
Comment: The p.Arg329His variant in PLA2G6 has been reported in 3 individuals. in the compound heterozygous state, with PLA2G6-associated neurodegeneration (PMID: 34256386, 27516098, 33098801) and has been identified in 0.006% (5/82514) of European (non-Finnish) chromosomes by the Genome Aggregation Database (gnomAD; dbSNP ID: rs587784363). Although this variant has been seen in the general population in a heterozygous state, its frequency is low enough to be consistent with a recessive carrier frequency. Computational prediction tools and conservation analyses do not provide strong support for or against an impact to the protein. In summary, the clinical significance of the p.Arg329His variant is uncertain. ACMG/AMP Criteria applied: PM2_supporting (Richards 2015).

Institute of Human Genetics Munich, TUM University Hospital
Classification: Pathogenic for Infantile neuroaxonal dystrophy. Last evaluated: 2019-05-07. Review status: criteria provided, single submitter. Criteria: Classification criteria August 2017. Collection method: clinical testing. Allele origin: germline. Inheritance: Autosomal recessive inheritance. Affected: yes. Observed: 1 compound heterozygote.

CeGaT Center for Human Genetics Tuebingen
Classification: Likely pathogenic. Last evaluated: 2019-02-01. Review status: criteria provided, single submitter. Criteria: CeGaT Center For Human Genetics Tuebingen Variant Classification Criteria Version 2. Collection method: clinical testing. Allele origin: germline. Affected: yes. Observed: 1 variant allele.

Knight Diagnostic Laboratories, Oregon Health and Sciences University
Classification: Likely pathogenic. Last evaluated: 2016-09-21. Review status: criteria provided, single submitter. Criteria: ACMG Guidelines, 2015. Collection method: clinical testing. Allele origin: germline. Observed: 1 variant allele.

Genetic Services Laboratory, University of Chicago
Classification: Likely pathogenic for iron accumulation in brain. Last evaluated: 2013-02-08. Review status: criteria provided, single submitter. Criteria: ACMG Guidelines, 2007. Collection method: clinical testing. Allele origin: germline. Inheritance: Autosomal recessive inheritance. Affected: yes.

NM_003560.4(PLA2G6):c.986G>A (p.Arg329His)

Gene: PLA2G6 (phospholipase A2 group VI; minus strand). Cytogenetic location: 22q13.1.
Variant type: single nucleotide variant.
Coding change: c.986G>A on transcript NM_003560.4 (MANE Select); coding-DNA position 986, G replaced by A.
Protein change: p.Arg329His; replaces arginine 329 with histidine.
Molecular consequence: missense variant.
Genome position (GRCh38, 1-based): chr22:38,132,922, C>T on the plus strand (G>A on the coding strand, the complement: PLA2G6 is on the minus strand). VCF-style: chr22-38132922-C-T. GRCh37 (hg19) VCF-style: chr22-38528929-C-T.
Other names: NM_003560.4(PLA2G6):c.986G>A; p.Arg329His; c.986G>A, p.Arg329His (NM_001004426.3, NM_001199562.3, NM_001349864.2 and 2 more transcripts); c.452G>A, p.Arg151His (NM_001349867.2, NM_001349869.2); c.308G>A, p.Arg103His (NM_001349868.2); short protein forms R329H, R103H, R151H.
Identifiers: ClinVar variation 159784 (VCV000159784.52), dbSNP rs587784363, ClinGen allele CA173301.